The following is an entry in ClinVar:

ClinVar aggregate classification (germline): Pathogenic. Review status: criteria provided, multiple submitters, no conflicts (2 of 4 stars). 3 submissions from 3 submitters: Pathogenic (3). Last evaluated 2023-12-17.

Conditions:
Hereditary cancer-predisposing syndrome. Also called: Neoplastic Syndromes, Hereditary; Tumor predisposition; Hereditary Cancer Syndrome; Hereditary neoplastic syndrome. Identifiers: Orphanet 140162, MedGen C0027672, MeSH D009386, MONDO:0015356.
Familial adenomatous polyposis 1 (FAP1). Also called: FAMILIAL ADENOMATOUS POLYPOSIS 1, ATTENUATED; POLYPOSIS, ADENOMATOUS INTESTINAL. Identifiers: MedGen C2713442, MONDO:0021056, OMIM 175100. Disease mechanism: loss of function.

Submissions (3):

Labcorp Genetics (formerly Invitae), Labcorp
Classification: Pathogenic for Familial adenomatous polyposis 1. Last evaluated: 2023-12-17. Review status: criteria provided, single submitter. Criteria: Invitae Variant Classification Sherloc (09022015). Collection method: clinical testing. Allele origin: germline.
Comment: This sequence change creates a premature translational stop signal (p.Tyr1147*) in the APC gene. While this is not anticipated to result in nonsense mediated decay, it is expected to disrupt the last 1697 amino acid(s) of the APC protein. This variant is not present in population databases (gnomAD no frequency). This premature translational stop signal has been observed in individual(s) with personal and/or family history of APC-related conditions (PMID: 23159591). ClinVar contains an entry for this variant (Variation ID: 1731467). This variant is expected to disrupt the EB1 and HDLG binding sites, which mediate interactions with the cytoskeleton (PMID: 15311282, 17293347). While functional studies have not been performed to directly test the effect on APC protein function, this suggests that disruption of the C-terminal portion of the protein is functionally important. A different truncation (p.Tyr2645Lysfs*14) that lies downstream of this variant has been determined to be pathogenic (PMID: 9824584, 1316610, 27081525, 8381579, 22135120, Invitae). This suggests that deletion of this region of the APC protein is causative of disease. For these reasons, this variant has been classified as Pathogenic.

Ambry Genetics
Classification: Pathogenic for Hereditary cancer-predisposing syndrome. Last evaluated: 2023-10-10. Review status: criteria provided, single submitter. Criteria: Ambry Variant Classification Scheme 2023. Collection method: clinical testing. Allele origin: germline.
Comment: The c.3440dupA pathogenic mutation, located in coding exon 15 of the APC gene, results from a duplication of A at nucleotide position 3440, causing a translational frameshift with a predicted alternate stop codon (p.Y1147*). This alteration occurs at the 3' terminus of theAPC gene, is not expected to trigger nonsense-mediated mRNA decay, and impacts the last 1697 amino acids of the protein. However, premature stop codons are typically deleterious in nature and the impacted region is critical for protein function and a significant portion of the protein is affected (Ambry internal data). This alteration has been observed in multiple individuals with a personal and/or family history that is consistent with APC-related disease (Kerr SE et al. J Mol Diagn, 2013 Jan;15:31-43; Ambry internal data). Based on the supporting evidence, this alteration is interpreted as a disease-causing mutation.

Myriad Genetics, Inc.
Classification: Pathogenic for Familial adenomatous polyposis 1. Last evaluated: 2023-05-08. Review status: criteria provided, single submitter. Criteria: Myriad Autosomal Dominant, Autosomal Recessive and X-Linked Classification Criteria (2023). Collection method: clinical testing. Allele origin: unknown.
Comment: This variant is considered pathogenic. This variant creates a termination codon and is predicted to result in premature protein truncation.

Literature cited by the submitters: PubMed 23159591 (cited by Labcorp Genetics (formerly Invitae), Labcorp and Ambry Genetics); PubMed 15311282 (cited by Labcorp Genetics (formerly Invitae), Labcorp); PubMed 17293347 (cited by Labcorp Genetics (formerly Invitae), Labcorp); PubMed 9824584 (cited by Labcorp Genetics (formerly Invitae), Labcorp); PubMed 1316610 (cited by Labcorp Genetics (formerly Invitae), Labcorp); PubMed 27081525 (cited by Labcorp Genetics (formerly Invitae), Labcorp); PubMed 8381579 (cited by Labcorp Genetics (formerly Invitae), Labcorp); PubMed 22135120 (cited by Labcorp Genetics (formerly Invitae), Labcorp).

NM_000038.6(APC):c.3440dup (p.Tyr1147Ter)

Gene: APC (APC regulator of Wnt signaling pathway; plus strand). Cytogenetic location: 5q22.2.
Variant type: Duplication.
Coding change: c.3440dup on transcript NM_000038.6 (MANE Select); coding-DNA position 3440, one base duplicated (A; older notation c.3440dupA).
Protein change: p.Tyr1147Ter; replaces tyrosine 1147 with a stop codon.
Molecular consequence: nonsense. On other transcripts: frameshift variant (20).
Genome position (GRCh38, 1-based): chr5:112,839,034, A duplicated. VCF-style (leftmost placement, unchanged base first): chr5-112839033-T-TA. GRCh37 (hg19) VCF-style: chr5-112174730-T-TA.
Other names: c.3440dup, p.Tyr1147Ter (NM_001127510.3, NM_001354895.2); c.3494dup, p.Tyr1165Ter (NM_001354896.2); c.3470dup, p.Tyr1157Ter (NM_001354897.2); c.3365dup, p.Tyr1122Ter (NM_001354898.2); c.3386dup, p.Tyr1129Ter (NM_001127511.3); c.3356dup, p.Tyr1119Ter (NM_001354899.2); c.3317dup, p.Tyr1106Ter (NM_001354900.2); c.3263dup, p.Tyr1088Ter (NM_001354901.2); and 16 more; short protein forms Y1056*, Y1088*, Y1122*, Y1046*, Y1106*, Y1129*, Y1157*, Y1165*.
Identifiers: ClinVar variation 1731467 (VCV001731467.6), dbSNP rs2533498178, ClinGen allele CA1139770812.
Genomic context (GRCh38, chr5:112,839,033, plus strand): 5'-CAGTCTTTGTGTCAAGAAGATGACTATGAAGATGATAAGCCTACCAATTATAGTGAACGT[T>TA]ACTCTGAAGAAGAACAGCATGAAGAAGAAGAGAGACCAACAAATTATAGCATAAAATATA-3'